The following is an entry in ClinVar:

NM_001164508.2(NEB):c.4206T>A (p.Asn1402Lys)

Gene: NEB (nebulin; minus strand). Cytogenetic location: 2q23.3.
Variant type: single nucleotide variant.
Coding change: c.4206T>A on transcript NM_001164508.2 (MANE Select); coding-DNA position 4206, T replaced by A.
Protein change: p.Asn1402Lys; replaces asparagine 1402 with lysine.
Molecular consequence: missense variant.
Genome position (GRCh38, 1-based): chr2:151,672,462, A>T on the plus strand (T>A on the coding strand, the complement: NEB is on the minus strand). VCF-style: chr2-151672462-A-T. GRCh37 (hg19) VCF-style: chr2-152528976-A-T.
Other names: c.4206T>A, p.Asn1402Lys (NM_001164507.2, NM_001271208.2, NM_004543.5); short protein forms N1402K.
Identifiers: ClinVar variation 257814 (VCV000257814.23), dbSNP rs201169452, ClinGen allele CA1910700.

ClinVar aggregate classification (germline): Conflicting classifications of pathogenicity. Review status: criteria provided, conflicting classifications (1 of 4 stars). 6 submissions from 6 submitters: Uncertain significance (1); Benign (1); Likely benign (4). Last evaluated 2026-02-01.

Conditions:
Nemaline myopathy 2 (NEM2). Also called: Nemaline myopathy 2, autosomal recessive. Identifiers: MedGen C1850569, MONDO:0009725, OMIM 256030.

Allele frequency attached by ClinVar (database versions not stated): gnomAD 0.00149 and 0.00165; TOPMed 0.00192; gnomAD exomes 0.00037; ExAC 0.00046; 1000 Genomes Project 30x 0.00094; 1000 Genomes Project 0.00100; ESP Exome Variant Server 0.00127.
gnomAD v4.1: 507 of 1,613,972 alleles (0.031%); highest among the groups gnomAD compares: African/African-American, 0.64%; 4 homozygotes.

Submissions (6):

CeGaT Center for Human Genetics Tuebingen
Classification: Likely benign. Last evaluated: 2026-02-01. Review status: criteria provided, single submitter. Criteria: CeGaT Center For Human Genetics Tuebingen Variant Classification Criteria Version 2. Collection method: clinical testing. Allele origin: germline. Affected: yes. Observed: 1 variant allele.
Comment: NEB: BS2

Labcorp Genetics (formerly Invitae), Labcorp
Classification: Likely benign for Nemaline myopathy 2. Last evaluated: 2026-01-26. Review status: criteria provided, single submitter. Criteria: Invitae Variant Classification Sherloc (09022015). Collection method: clinical testing. Allele origin: germline.

GeneDx
Classification: Likely benign. Last evaluated: 2019-01-15. Review status: criteria provided, single submitter. Criteria: GeneDx Variant Classification Process June 2021. Collection method: clinical testing. Allele origin: germline. Affected: yes.

Center for Pediatric Genomic Medicine, Children's Mercy Hospital and Clinics
Classification: Uncertain significance. Last evaluated: 2017-05-08. Review status: criteria provided, single submitter. Criteria: ACMG Guidelines, 2015. Collection method: clinical testing. Allele origin: germline.

Eurofins Ntd Llc (ga)
Classification: Benign. Last evaluated: 2015-12-28. Review status: criteria provided, single submitter. Criteria: EGL Classification Definitions 2015. Collection method: clinical testing. Allele origin: germline. Observed: 2 variant alleles, 2 heterozygotes.

PreventionGenetics, part of Exact Sciences
Classification: Likely benign. Review status: criteria provided, single submitter. Criteria: ACMG Guidelines, 2015. Collection method: clinical testing. Allele origin: germline.